The following is an entry in ClinVar:

NM_014855.3(AP5Z1):c.721C>T (p.Gln241Ter)

Gene: AP5Z1 (adaptor related protein complex 5 subunit zeta 1; plus strand). Cytogenetic location: 7p22.1.
Variant type: single nucleotide variant.
Coding change: c.721C>T on transcript NM_014855.3 (MANE Select); coding-DNA position 721, C replaced by T.
Protein change: p.Gln241Ter; replaces glutamine 241 with a stop codon.
Molecular consequence: nonsense. On other transcripts: non-coding transcript variant (1).
Genome position (GRCh38, 1-based): chr7:4,784,302, C>T. VCF-style: chr7-4784302-C-T. GRCh37 (hg19) VCF-style: chr7-4823933-C-T.
Other names: c.253C>T, p.Gln85Ter (NM_001364858.1); short protein forms Q241*, Q85*.
Identifiers: ClinVar variation 804541 (VCV000804541.5), dbSNP rs751778396, ClinGen allele CA4137332.

ClinVar aggregate classification (germline): Pathogenic/Likely pathogenic. Review status: criteria provided, multiple submitters, no conflicts (2 of 4 stars). 2 submissions from 2 submitters: Pathogenic (1); Likely pathogenic (1). Last evaluated 2022-06-02.

Conditions:
Hereditary spastic paraplegia 48. Also called: Spastic paraplegia 48; SPASTIC PARAPLEGIA 48, AUTOSOMAL RECESSIVE. Identifiers: Orphanet 306511, MedGen C3150901, MONDO:0013342, OMIM 613647.

Allele frequency attached by ClinVar (database versions not stated): gnomAD 0.00001; TOPMed 0.00001; ExAC 0.00002.

Submissions (2):

Labcorp Genetics (formerly Invitae), Labcorp
Classification: Pathogenic for Hereditary spastic paraplegia 48. Last evaluated: 2022-06-02. Review status: criteria provided, single submitter. Criteria: Invitae Variant Classification Sherloc (09022015). Collection method: clinical testing. Allele origin: germline.
Comment: For these reasons, this variant has been classified as Pathogenic. Algorithms developed to predict the effect of sequence changes on RNA splicing suggest that this variant may create or strengthen a splice site. ClinVar contains an entry for this variant (Variation ID: 804541). This variant has not been reported in the literature in individuals affected with AP5Z1-related conditions. The frequency data for this variant in the population databases is considered unreliable, as metrics indicate poor data quality at this position in the gnomAD database. This sequence change creates a premature translational stop signal (p.Gln241*) in the AP5Z1 gene. It is expected to result in an absent or disrupted protein product. Loss-of-function variants in AP5Z1 are known to be pathogenic (PMID: 20613862, 27606357).

Athena Diagnostics
Classification: Likely pathogenic. Last evaluated: 2019-02-04. Review status: criteria provided, single submitter. Criteria: Athena Diagnostics Criteria. Collection method: clinical testing. Allele origin: germline.
Comment: The variant creates a premature nonsense codon, and is therefore predicted to result in the loss of a functional protein.

Literature cited by the submitters: PubMed 20613862 (cited by Labcorp Genetics (formerly Invitae), Labcorp); PubMed 27606357 (cited by Labcorp Genetics (formerly Invitae), Labcorp).